The following is an entry in ClinVar:

ClinVar aggregate classification (germline): Uncertain significance. Review status: criteria provided, multiple submitters, no conflicts (2 of 4 stars). 2 submissions from 2 submitters: Uncertain significance (2). Last evaluated 2025-09-20.

Conditions:
Inborn genetic diseases. Identifiers: MedGen C0950123, MeSH D030342.

Allele frequency attached by ClinVar (database versions not stated): gnomAD exomes below 0.00001; ExAC 0.00002.
gnomAD v4.1: 2 of 1,613,066 alleles (0.00012%); highest among the groups gnomAD compares: East Asian, 0.0022%; no homozygotes.

Submissions (2):

Labcorp Genetics (formerly Invitae), Labcorp
Classification: Uncertain significance. Last evaluated: 2025-09-20. Review status: criteria provided, single submitter. Criteria: Invitae Variant Classification Sherloc (09022015). Collection method: clinical testing. Allele origin: germline.
Comment: This sequence change replaces proline, which is neutral and non-polar, with leucine, which is neutral and non-polar, at codon 150 of the FBXO11 protein (p.Pro150Leu). This variant is present in population databases (rs753835072, gnomAD 0.02%). This variant has not been reported in the literature in individuals affected with FBXO11-related conditions. ClinVar contains an entry for this variant (Variation ID: 1909360). An algorithm developed to predict the effect of missense changes on protein structure and function (PolyPhen-2) suggests that this variant is likely to be tolerated. In summary, the available evidence is currently insufficient to determine the role of this variant in disease. Therefore, it has been classified as a Variant of Uncertain Significance.

Ambry Genetics
Classification: Uncertain significance for Inborn genetic diseases. Last evaluated: 2025-08-12. Review status: criteria provided, single submitter. Criteria: Ambry Variant Classification Scheme 2023. Collection method: clinical testing. Allele origin: germline.

NM_001190274.2(FBXO11):c.449C>T (p.Pro150Leu)

Gene: FBXO11 (F-box protein 11; minus strand). Cytogenetic location: 2p16.3.
Variant type: single nucleotide variant.
Coding change: c.449C>T on transcript NM_001190274.2 (MANE Select); coding-DNA position 449, C replaced by T.
Protein change: p.Pro150Leu; replaces proline 150 with leucine.
Molecular consequence: missense variant.
Genome position (GRCh38, 1-based): chr2:47,838,997, G>A on the plus strand (C>T on the coding strand, the complement: FBXO11 is on the minus strand). VCF-style: chr2-47838997-G-A. GRCh37 (hg19) VCF-style: chr2-48066136-G-A.
Other names: c.449C>T (NM_001190274.1); c.197C>T, p.Pro66Leu (NM_001374325.1, NM_025133.4); short protein forms P66L, P150L.
Identifiers: ClinVar variation 1909360 (VCV001909360.8), dbSNP rs753835072, ClinGen allele CA1650116.